The following is an entry in ClinVar:

NM_004655.4(AXIN2):c.1563C>T (p.His521=)

Gene: AXIN2 (axin 2; minus strand). Cytogenetic location: 17q24.1.
Variant type: single nucleotide variant.
Coding change: c.1563C>T on transcript NM_004655.4 (MANE Select); coding-DNA position 1563, C replaced by T.
Protein change: p.His521=; no amino-acid change (histidine 521 retained).
Molecular consequence: synonymous variant.
Genome position (GRCh38, 1-based): chr17:65,537,473, G>A on the plus strand (C>T on the coding strand, the complement: AXIN2 is on the minus strand). VCF-style: chr17-65537473-G-A. GRCh37 (hg19) VCF-style: chr17-63533591-G-A.
Other names: c.1563C>T, p.His521= (NM_001363813.1); c.1563C>T (NM_004655.3).
Identifiers: ClinVar variation 1139823 (VCV001139823.11), dbSNP rs2144459269, ClinGen allele CA501691268.

ClinVar aggregate classification (germline): Benign/Likely benign. Review status: criteria provided, multiple submitters, no conflicts (2 of 4 stars). 3 submissions from 3 submitters: Benign (1); Likely benign (2). Last evaluated 2026-03-24.

Conditions:
Hereditary cancer-predisposing syndrome. Also called: Neoplastic Syndromes, Hereditary; Tumor predisposition; Hereditary Cancer Syndrome; Hereditary neoplastic syndrome. Identifiers: Orphanet 140162, MedGen C0027672, MeSH D009386, MONDO:0015356.
Oligodontia-cancer predisposition syndrome. Also called: TOOTH AGENESIS-COLORECTAL CANCER SYNDROME. Identifiers: Orphanet 300576, MedGen C1837750, MONDO:0012075, OMIM 608615. Disease mechanism: loss of function.

Submissions (3):

Ambry Genetics
Classification: Likely benign for Hereditary cancer-predisposing syndrome. Last evaluated: 2026-03-24. Review status: criteria provided, single submitter. Criteria: Ambry Variant Classification Scheme 2023. Collection method: clinical testing. Allele origin: germline.

Labcorp Genetics (formerly Invitae), Labcorp
Classification: Likely benign for Oligodontia-cancer predisposition syndrome. Last evaluated: 2024-07-15. Review status: criteria provided, single submitter. Criteria: Invitae Variant Classification Sherloc (09022015). Collection method: clinical testing. Allele origin: germline.

Myriad Genetics, Inc.
Classification: Benign for Oligodontia-cancer predisposition syndrome. Last evaluated: 2024-07-03. Review status: criteria provided, single submitter. Criteria: Myriad Autosomal Dominant, Autosomal Recessive and X-Linked Classification Criteria (2023). Collection method: clinical testing. Allele origin: unknown.
Comment: This variant is considered benign. This variant is a silent/synonymous amino acid change and it is not expected to impact splicing.